The following is an entry in ClinVar:

NM_001376.5(DYNC1H1):c.11897C>G (p.Pro3966Arg)

Gene: DYNC1H1 (dynein cytoplasmic 1 heavy chain 1; plus strand). Cytogenetic location: 14q32.31.
Variant type: single nucleotide variant.
Coding change: c.11897C>G on transcript NM_001376.5 (MANE Select); coding-DNA position 11897, C replaced by G.
Protein change: p.Pro3966Arg; replaces proline 3966 with arginine.
Molecular consequence: missense variant.
Genome position (GRCh38, 1-based): chr14:102,040,629, C>G. VCF-style: chr14-102040629-C-G. GRCh37 (hg19) VCF-style: chr14-102506966-C-G.
Other names: short protein forms P3966R.
Identifiers: ClinVar variation 245966 (VCV000245966.2), dbSNP rs879254021, ClinGen allele CA10584474.

ClinVar aggregate classification (germline): Likely pathogenic (1 of 4 stars; one submission).

Submission:

GeneDx
Classification: Likely pathogenic. Last evaluated: 2015-09-24. Review status: criteria provided, single submitter. Criteria: GeneDx Variant Classification (06012015). Collection method: clinical testing. Allele origin: germline. Affected: yes.
Comment: The P3966R variant in the DYNC1H1 gene has not been published as a pathogenic variant, nor has it been reported as a benign polymorphism to our knowledge. The P3966R variant was not observed in approximately 6500 individuals of European and African American ancestry in the NHLBI Exome Sequencing Project, indicating it is not a common benign variant in these populations. The P3966R variant is a non-conservative amino acid substitution, which is likely to impact secondary protein structure as these residues differ in polarity, charge, size and/or other properties. This substitution occurs at a position that is conserved across species. In silico analysis predicts this variant is probably damaging to the protein structure/function. Therefore, we interpret P3966R as a likely pathogenic variant